The following is an entry in ClinVar:

ClinVar aggregate classification (germline): Benign. Review status: criteria provided, multiple submitters, no conflicts (2 of 4 stars). 3 submissions from 3 submitters: Benign (3). Last evaluated 2026-09-01.

Allele frequency attached by ClinVar (database versions not stated): 1000 Genomes Project 30x 0.00453; 1000 Genomes Project 0.00479; gnomAD 0.00717 and 0.00733; TOPMed 0.00720; gnomAD exomes 0.00741 and 0.01073; ExAC 0.00803; ESP Exome Variant Server 0.00804.

Submissions (3):

CeGaT Center for Human Genetics Tuebingen
Classification: Benign. Last evaluated: 2026-09-01. Review status: criteria provided, single submitter. Criteria: CeGaT Center For Human Genetics Tuebingen Variant Classification Criteria Version 2. Collection method: clinical testing. Allele origin: germline. Affected: yes. Observed: 8 variant alleles.
Comment: CASZ1: BP4, BS1, BS2

Labcorp Genetics (formerly Invitae), Labcorp
Classification: Benign. Last evaluated: 2025-11-24. Review status: criteria provided, single submitter. Criteria: Invitae Variant Classification Sherloc (09022015). Collection method: clinical testing. Allele origin: germline.

Breakthrough Genomics
Classification: Benign. Review status: criteria provided, single submitter. Criteria: ACMG Guidelines, 2015. Collection method: not provided. Allele origin: germline. Inheritance: Unknown mechanism. Affected: yes.

NM_001079843.3(CASZ1):c.176C>T (p.Ser59Leu)

Gene: CASZ1 (castor zinc finger 1; minus strand). Cytogenetic location: 1p36.22.
Variant type: single nucleotide variant.
Coding change: c.176C>T on transcript NM_001079843.3 (MANE Select); coding-DNA position 176, C replaced by T.
Protein change: p.Ser59Leu; replaces serine 59 with leucine.
Molecular consequence: missense variant.
Genome position (GRCh38, 1-based): chr1:10,665,412, G>A on the plus strand (C>T on the coding strand, the complement: CASZ1 is on the minus strand). VCF-style: chr1-10665412-G-A. GRCh37 (hg19) VCF-style: chr1-10725469-G-A.
Other names: c.176C>T, p.Ser59Leu (NM_017766.5); short protein forms S59L.
Identifiers: ClinVar variation 774276 (VCV000774276.18), dbSNP rs149479567, ClinGen allele CA585515.
Genomic context (GRCh38, chr1:10,665,412, plus strand): 5'-CTGCGGGGGGCCCGGGCTGCCCCAGACTCAGGGCCACTGCGCTCTTGGTCCCGGGGCTGC[G>A]ATGGGCTGCCCTCCGTGTGGGAGCCGGCGTCAGCTCGCTTCTCCACCACCACCTGGCGGC-3'
Protein context (NP_001073312.1, residues 49-69): DAGSHTEGSP[Ser59Leu]QPRDQERSGP